The following is an entry in ClinVar:

ClinVar aggregate classification (germline): Likely pathogenic (1 of 4 stars; one submission).

Conditions:
Menkes kinky-hair syndrome (MNK). Also called: Copper transport disease; Classic Menkes Disease; Menkes Disease. Identifiers: Orphanet 565, MedGen C0022716, MONDO:0010651, OMIM 309400.

Submission:

Myriad Genetics, Inc.
Classification: Likely pathogenic for Menkes kinky-hair syndrome. Last evaluated: 2021-12-31. Review status: criteria provided, single submitter. Criteria: Myriad Autosomal Dominant, Autosomal Recessive and X-Linked Classification Criteria (2023). Collection method: clinical testing. Allele origin: unknown.
Comment: NM_000052.5(ATP7A):c.349A>T(K117*) is expected to be pathogenic in the context of ATP7A-related disorders. This variant is predicted to lead to an abnormal or absent protein product due to the creation of a premature termination codon in ATP7A, a gene where loss-of-function variants are known to be pathogenic. Please note: this variant was assessed in the context of healthy population screening.

NM_000052.7(ATP7A):c.349A>T (p.Lys117Ter)

Gene: ATP7A (ATPase copper transporting alpha; plus strand). Cytogenetic location: Xq21.1.
Variant type: single nucleotide variant.
Coding change: c.349A>T on transcript NM_000052.7 (MANE Select); coding-DNA position 349, A replaced by T.
Protein change: p.Lys117Ter; replaces lysine 117 with a stop codon.
Molecular consequence: nonsense.
Genome position (GRCh38, 1-based): chrX:77,988,470, A>T. VCF-style: chrX-77988470-A-T. GRCh37 (hg19) VCF-style: chrX-77243966-A-T.
Other names: c.349A>T, p.Lys117Ter (NM_001282224.2); short protein forms K117*.
Identifiers: ClinVar variation 1726719 (VCV001726719.3), dbSNP rs2522289680, ClinGen allele CA413599538.